The following is an entry in ClinVar:

ClinVar aggregate classification (germline): Uncertain significance (1 of 4 stars; one submission).

Submission:

GeneDx
Classification: Uncertain significance. Last evaluated: 2025-03-18. Review status: criteria provided, single submitter. Criteria: GeneDx Variant Classification Process June 2021. Collection method: clinical testing. Allele origin: germline. Affected: yes.
Comment: Not observed at significant frequency in large population cohorts (gnomAD); In silico analysis supports that this missense variant has a deleterious effect on protein structure/function; Has not been previously published as pathogenic or benign to our knowledge

NM_006421.5(ARFGEF1):c.4429C>T (p.Leu1477Phe)

Gene: ARFGEF1 (ARF guanine nucleotide exchange factor 1; minus strand). Cytogenetic location: 8q13.2.
Variant type: single nucleotide variant.
Coding change: c.4429C>T on transcript NM_006421.5 (MANE Select); coding-DNA position 4429, C replaced by T.
Protein change: p.Leu1477Phe; replaces leucine 1477 with phenylalanine.
Molecular consequence: missense variant. On other transcripts: non-coding transcript variant (1).
Genome position (GRCh38, 1-based): chr8:67,218,048, G>A on the plus strand (C>T on the coding strand, the complement: ARFGEF1 is on the minus strand). VCF-style: chr8-67218048-G-A. GRCh37 (hg19) VCF-style: chr8-68130283-G-A.
Other names: c.4429C>T, p.Leu1477Phe (NM_001413184.1, NM_001413185.1, NM_001413186.1 and 5 more transcripts); c.3829C>T, p.Leu1277Phe (NM_001413188.1, NM_001413193.1, NM_001413197.1); c.4423C>T, p.Leu1475Phe (NM_001413190.1); c.3004C>T, p.Leu1002Phe (NM_001413196.1); short protein forms L1002F, L1277F, L1475F, L1477F.
Identifiers: ClinVar variation 4086292 (VCV004086292.1).